The following is an entry in ClinVar:

NM_004172.5(SLC1A3):c.22G>C (p.Glu8Gln)

Gene: SLC1A3 (solute carrier family 1 member 3; plus strand). Cytogenetic location: 5p13.2.
Variant type: single nucleotide variant.
Coding change: c.22G>C on transcript NM_004172.5 (MANE Select); coding-DNA position 22, G replaced by C.
Protein change: p.Glu8Gln; replaces glutamic acid 8 with glutamine.
Molecular consequence: missense variant.
Genome position (GRCh38, 1-based): chr5:36,608,445, G>C. VCF-style: chr5-36608445-G-C. GRCh37 (hg19) VCF-style: chr5-36608547-G-C.
Other names: c.22G>C, p.Glu8Gln (NM_001166695.3, NM_001166696.3, NM_001289939.2 and 1 more transcripts); short protein forms E8Q.
Identifiers: ClinVar variation 2312346 (VCV002312346.2), dbSNP rs757310275, ClinGen allele CA117042101.
Genomic context (GRCh38, chr5:36,608,445, plus strand): 5'-CTGAAGTGCAAAGAAGAGACCCTCCTAGAAAAGTAAAATATGACTAAAAGCAATGGAGAA[G>C]AGCCCAAGATGGGGGGCAGGATGGAGAGATTCCAGCAGGGAGTCCGTAAACGCACACTTT-3'
Protein context (NP_004163.3, residues 1-18): MTKSNGE[Glu8Gln]PKMGGRMERF

ClinVar aggregate classification (germline): Uncertain significance (1 of 4 stars; one submission).

Conditions:
Inborn genetic diseases. Identifiers: MedGen C0950123, MeSH D030342.

Allele frequency attached by ClinVar (database versions not stated): gnomAD exomes below 0.00001.
gnomAD v4.1: 1 of 1,614,036 alleles (0.000062%); highest among the groups gnomAD compares: Admixed American, 0.0017%; no homozygotes.

Submission:

Ambry Genetics
Classification: Uncertain significance for Inborn genetic diseases. Last evaluated: 2022-10-26. Review status: criteria provided, single submitter. Criteria: Ambry Variant Classification Scheme 2023. Collection method: clinical testing. Allele origin: germline.
Comment: The c.22G>C (p.E8Q) alteration is located in exon 2 (coding exon 1) of the SLC1A3 gene. This alteration results from a G to C substitution at nucleotide position 22, causing the glutamic acid (E) at amino acid position 8 to be replaced by a glutamine (Q). This variant was not reported in population-based cohorts in the Genome Aggregation Database (gnomAD). This amino acid position is not well conserved in available vertebrate species. This alteration is predicted to be tolerated by in silico analysis. Based on insufficient or conflicting evidence, the clinical significance of this alteration remains unclear.